The following is an entry in ClinVar:

NM_001267550.2(TTN):c.99290-10T>C

Genes: TTN (titin; minus strand), TTN-AS1 (TTN antisense RNA 1; plus strand). Cytogenetic location: 2q31.2.
Variant type: single nucleotide variant.
Coding change: c.99290-10T>C on transcript NM_001267550.2 (MANE Select); 10 bases into the intron before coding-DNA position 99290, T replaced by C.
Molecular consequence: intron variant.
Genome position (GRCh38, 1-based): chr2:178,537,927, A>G on the plus strand (T>C on the coding strand, the complement: TTN is on the minus strand). VCF-style: chr2-178537927-A-G. GRCh37 (hg19) VCF-style: chr2-179402654-A-G.
Other names: p.?; c.72095-10T>C (NM_003319.4); c.72671-10T>C (NM_133437.4); c.72470-10T>C (NM_133432.3); c.91586-10T>C (NM_133378.4); c.94367-10T>C (NM_001256850.1).
Identifiers: ClinVar variation 2942187 (VCV002942187.4), dbSNP rs2468690639, ClinGen allele CA2662121833.

ClinVar aggregate classification (germline): Likely benign. Review status: criteria provided, multiple submitters, no conflicts (2 of 4 stars). 2 submissions from 2 submitters: Likely benign (2). Last evaluated 2025-03-05.

Conditions:
Dilated cardiomyopathy 1G (CMD1G). Identifiers: Orphanet 154, MedGen C1858763, MONDO:0011400, OMIM 604145.
Autosomal recessive limb-girdle muscular dystrophy type 2J (LGMDR10). Also called: MUSCULAR DYSTROPHY, LIMB-GIRDLE, AUTOSOMAL RECESSIVE 10; Limb-girdle muscular dystrophy, type 2J. Identifiers: Orphanet 140922, MedGen C1837342, MONDO:0012127, OMIM 608807.

Allele frequency attached by ClinVar (database versions not stated): gnomAD exomes below 0.00001.
gnomAD v4.1: 1 of 1,584,956 alleles (0.000063%); highest among the groups gnomAD compares: Non-Finnish European, 0.000086%; no homozygotes.

Submissions (2):

Mayo Clinic Laboratories, Mayo Clinic
Classification: Likely benign. Last evaluated: 2025-03-05. Review status: criteria provided, single submitter. Criteria: ACMG Guidelines, 2015. Collection method: clinical testing. Allele origin: germline. Observed: 1 variant allele.
Comment: BP4, BP7

Labcorp Genetics (formerly Invitae), Labcorp
Classification: Likely benign for Dilated cardiomyopathy 1G; Autosomal recessive limb-girdle muscular dystrophy type 2J. Last evaluated: 2022-12-10. Review status: criteria provided, single submitter. Criteria: Invitae Variant Classification Sherloc (09022015). Collection method: clinical testing. Allele origin: germline.